The following is an entry in ClinVar:

NM_004817.4(TJP2):c.1028A>G (p.Asn343Ser)

Gene: TJP2 (tight junction protein 2; plus strand). Cytogenetic location: 9q21.11.
Variant type: single nucleotide variant.
Coding change: c.1028A>G on transcript NM_004817.4 (MANE Select); coding-DNA position 1028, A replaced by G.
Protein change: p.Asn343Ser; replaces asparagine 343 with serine.
Molecular consequence: missense variant.
Genome position (GRCh38, 1-based): chr9:69,225,379, A>G. VCF-style: chr9-69225379-A-G. GRCh37 (hg19) VCF-style: chr9-71840295-A-G.
Other names: c.959A>G, p.Asn320Ser (NM_001170414.2, NM_001369870.1, NM_001369871.1); c.1040A>G, p.Asn347Ser (NM_001170415.1, NM_001369874.1, NM_001369875.1); c.1121A>G, p.Asn374Ser (NM_001170416.2); c.1028A>G, p.Asn343Ser (NM_001369872.1, NM_001369873.1, NM_201629.3); short protein forms N320S, N343S, N347S, N374S.
Identifiers: ClinVar variation 1310549 (VCV001310549.6), dbSNP rs763855572, ClinGen allele CA5073169.
Genomic context (GRCh38, chr9:69,225,379, plus strand): 5'-TTGGGAGTCAGATCTTCGTAAAGGAAATGACCCGAACGGGTCTGGCAACTAAAGATGGCA[A>G]CCTTCACGAAGGAGACATAATTCTCAAGGTGGGTAGATGGGGGCAGAGAACGGTAGTGTG-3'
Protein context (NP_004808.2, residues 333-353): TRTGLATKDG[Asn343Ser]LHEGDIILKI

ClinVar aggregate classification (germline): Uncertain significance. Review status: criteria provided, multiple submitters, no conflicts (2 of 4 stars). 2 submissions from 2 submitters: Uncertain significance (2). Last evaluated 2022-02-01.

Allele frequency attached by ClinVar (database versions not stated): gnomAD exomes below 0.00001; ExAC 0.00001; gnomAD 0.00001; TOPMed 0.00001.
gnomAD v4.1: 3 of 1,613,686 alleles (0.00019%); highest among the groups gnomAD compares: African/African-American, 0.0013%; no homozygotes.

Submissions (2):

Labcorp Genetics (formerly Invitae), Labcorp
Classification: Uncertain significance. Last evaluated: 2022-02-01. Review status: criteria provided, single submitter. Criteria: Invitae Variant Classification Sherloc (09022015). Collection method: clinical testing. Allele origin: germline.
Comment: This sequence change replaces asparagine, which is neutral and polar, with serine, which is neutral and polar, at codon 343 of the TJP2 protein (p.Asn343Ser). This variant is present in population databases (rs763855572, gnomAD 0.007%). This variant has not been reported in the literature in individuals affected with TJP2-related conditions. ClinVar contains an entry for this variant (Variation ID: 1310549). Algorithms developed to predict the effect of missense changes on protein structure and function are either unavailable or do not agree on the potential impact of this missense change (SIFT: "Tolerated"; PolyPhen-2: "Possibly Damaging"; Align-GVGD: "Class C0"). In summary, the available evidence is currently insufficient to determine the role of this variant in disease. Therefore, it has been classified as a Variant of Uncertain Significance.

GeneDx
Classification: Uncertain significance. Last evaluated: 2019-11-26. Review status: criteria provided, single submitter. Criteria: GeneDx Variant Classification Process June 2021. Collection method: clinical testing. Allele origin: germline. Affected: yes.
Comment: Not observed at a significant frequency in large population cohorts (Lek et al., 2016); In silico analysis, which includes protein predictors and evolutionary conservation, supports a deleterious effect; Has not been previously published as pathogenic or benign to our knowledge